The following is an entry in ClinVar:

NM_001711.6(BGN):c.929ACA[1] (p.Asn311del)

Gene: BGN (biglycan; plus strand). Cytogenetic location: Xq28.
Variant type: Microsatellite.
Coding change: c.929ACA[1] on transcript NM_001711.6 (MANE Select); one copy of the 3-base unit ACA starting at c.929; the reference has two copies in a row; one copy, 3 bases deleted.
Protein change: p.Asn311del; deletes asparagine 311.
Molecular consequence: inframe deletion.
Genome position (GRCh38, 1-based): chrX:153,508,270-153,508,272, ACA deleted; deleting any 3 consecutive bases within chrX:153,508,265-153,508,272 gives the same sequence; the position shown is the placement nearest the transcript's 3' end. VCF-style (leftmost placement, unchanged base first): chrX-153508264-CCAA-C. GRCh37 (hg19) VCF-style: chrX-152773722-CCAA-C.
Other names: short protein forms N311del.
Identifiers: ClinVar variation 1525109 (VCV001525109.8), dbSNP rs2124243120, ClinGen allele CA2580612505.

ClinVar aggregate classification (germline): Uncertain significance (1 of 4 stars; one submission).

Submission:

Labcorp Genetics (formerly Invitae), Labcorp
Classification: Uncertain significance. Last evaluated: 2025-09-27. Review status: criteria provided, single submitter. Criteria: Invitae Variant Classification Sherloc (09022015). Collection method: clinical testing. Allele origin: germline.
Comment: This variant, c.932_934del, results in the deletion of 1 amino acid(s) of the BGN protein (p.Asn311del), but otherwise preserves the integrity of the reading frame. This variant is not present in population databases (gnomAD no frequency). This variant has not been reported in the literature in individuals affected with BGN-related conditions. Experimental studies and prediction algorithms are not available or were not evaluated, and the functional significance of this variant is currently unknown. In summary, the available evidence is currently insufficient to determine the role of this variant in disease. Therefore, it has been classified as a Variant of Uncertain Significance.